The following is an entry in ClinVar:

NM_015450.3(POT1):c.1875_1877delinsGG (p.Phe625fs)

Gene: POT1 (protection of telomeres 1; minus strand). Cytogenetic location: 7q31.33.
Variant type: Indel.
Coding change: c.1875_1877delinsGG on transcript NM_015450.3 (MANE Select); coding-DNA positions 1875 to 1877, TGA replaced by GG.
Protein change: p.Phe625fs; shifts the reading frame from phenylalanine 625.
Molecular consequence: frameshift variant. On other transcripts: non-coding transcript variant (3).
Genome position (GRCh38, 1-based): chr7:124,823,990-124,823,992, TCA replaced by CC on the plus strand (TGA replaced by GG on the coding strand, the reverse complement: POT1 is on the minus strand). VCF-style: chr7-124823990-TCA-CC. GRCh37 (hg19) VCF-style: chr7-124464044-TCA-CC.
Other names: c.1875_1877delTGAinsGG (NM_015450.2); c.1482_1484delinsGG, p.Phe494fs (NM_001042594.2); short protein forms F494fs, F625fs.
Identifiers: ClinVar variation 3010810 (VCV003010810.6), dbSNP rs2485332784, ClinGen allele CA2740097520.
Genomic context (GRCh38, chr7:124,823,990, plus strand): 5'-ACATTTTATGTATGCTAAATTGGATGGCAATATTAGATTACATCTTCTGCAACTGTGGTG[TCA>CC]AAAATCTGATAGCAAATTTGATTATCTGTTCCATTTGTGACATTGTATGACTTGATGAAG-3'

ClinVar aggregate classification (germline): Conflicting classifications of pathogenicity. Review status: criteria provided, conflicting classifications (1 of 4 stars). 3 submissions from 3 submitters: Likely pathogenic (1); Uncertain significance (2). Last evaluated 2025-10-06.

Conditions:
Hereditary cancer-predisposing syndrome. Also called: Neoplastic Syndromes, Hereditary; Hereditary Cancer Syndrome; Hereditary neoplastic syndrome; Tumor predisposition. Identifiers: Orphanet 140162, MedGen C0027672, MeSH D009386, MONDO:0015356.
Tumor predisposition syndrome 3 (TPDS3). Also called: Melanoma, cutaneous malignant, susceptibility to, 10; Glioma susceptibility 9; LONG TELOMERE SYNDROME, POT1-RELATED; POT1 Tumor Predisposition. Identifiers: Orphanet 618, MedGen C4014476, MONDO:0014368, OMIM 615848.

Submissions (3):

Ambry Genetics
Classification: Uncertain significance for Hereditary cancer-predisposing syndrome. Last evaluated: 2025-10-06. Review status: criteria provided, single submitter. Criteria: Ambry Variant Classification Scheme 2023. Collection method: clinical testing. Allele origin: germline.
Comment: The c.1875_1877delTGAinsGG variant, located in coding exon 15 of the POT1 gene, results from the deletion of 3 nucleotides and insertion of two nucleotides causing a translational frameshift with a predicted alternate stop codon (p.F625Lfs*9). This alteration occurs at the 3' terminus of the gene, is not expected to trigger nonsense-mediated mRNAdecay, and only impacts the last 10 amino acids of the protein. The exact functional effect of this alteration is unknown. Based on the available evidence, the clinical significance of this variant remains unclear.

Institute for Genomic Medicine (IGM) Clinical Laboratory, Nationwide Children's Hospital
Classification: Likely pathogenic for Tumor predisposition syndrome 3. Last evaluated: 2025-03-17. Review status: criteria provided, single submitter. Criteria: ACMG Guidelines, 2015. Collection method: clinical testing. Allele origin: germline.
Comment: This variant is predicted to result in loss of function through nonsense-mediated decay of the encoded transcript or premature truncation of the encoded protein in a gene in which loss of function is a known mechanism of disease (ACMG/AMP: PVS1; PMIDs:24686849, 25482530, 27528712, 32155570). This variant is absent from or present at an exceedingly low frequency in gnomAD, a large-scale control population database (ACMG/AMP: PM2).

Labcorp Genetics (formerly Invitae), Labcorp
Classification: Uncertain significance for Tumor predisposition syndrome 3. Last evaluated: 2023-02-23. Review status: criteria provided, single submitter. Criteria: Invitae Variant Classification Sherloc (09022015). Collection method: clinical testing. Allele origin: germline.
Comment: In summary, the available evidence is currently insufficient to determine the role of this variant in disease. Therefore, it has been classified as a Variant of Uncertain Significance. Experimental studies and prediction algorithms are not available or were not evaluated, and the functional significance of this variant is currently unknown. This variant has not been reported in the literature in individuals affected with POT1-related conditions. Information on the frequency of this variant in the gnomAD database is not available, as this variant may be reported differently in the database. This sequence change creates a premature translational stop signal (p.Phe625Leufs*9) in the POT1 gene. While this is not anticipated to result in nonsense mediated decay, it is expected to disrupt the last 10 amino acid(s) of the POT1 protein.

Literature cited by the submitters: PubMed 24686849 (cited by Institute for Genomic Medicine (IGM) Clinical Laboratory, Nationwide Children's Hospital); PubMed 25482530 (cited by Institute for Genomic Medicine (IGM) Clinical Laboratory, Nationwide Children's Hospital); PubMed 27528712 (cited by Institute for Genomic Medicine (IGM) Clinical Laboratory, Nationwide Children's Hospital); PubMed 32155570 (cited by Institute for Genomic Medicine (IGM) Clinical Laboratory, Nationwide Children's Hospital).